The following is an entry in ClinVar:

ClinVar aggregate classification (germline): Uncertain significance (1 of 4 stars; one submission).

gnomAD v4.1: 1 of 1,613,932 alleles (0.000062%); highest among the groups gnomAD compares: Non-Finnish European, 0.000085%; no homozygotes.

Submission:

Labcorp Genetics (formerly Invitae), Labcorp
Classification: Uncertain significance. Last evaluated: 2024-10-29. Review status: criteria provided, single submitter. Criteria: Invitae Variant Classification Sherloc (09022015). Collection method: clinical testing. Allele origin: germline.
Comment: This sequence change replaces arginine, which is basic and polar, with lysine, which is basic and polar, at codon 122 of the FLI1 protein (p.Arg122Lys). This variant is not present in population databases (gnomAD no frequency). This variant has not been reported in the literature in individuals affected with FLI1-related conditions. Invitae Evidence Modeling of protein sequence and biophysical properties (such as structural, functional, and spatial information, amino acid conservation, physicochemical variation, residue mobility, and thermodynamic stability) indicates that this missense variant is not expected to disrupt FLI1 protein function with a negative predictive value of 80%. In summary, the available evidence is currently insufficient to determine the role of this variant in disease. Therefore, it has been classified as a Variant of Uncertain Significance.

NM_002017.5(FLI1):c.365G>A (p.Arg122Lys)

Gene: FLI1 (Fli-1 proto-oncogene, ETS transcription factor; plus strand). Cytogenetic location: 11q24.3.
Variant type: single nucleotide variant.
Coding change: c.365G>A on transcript NM_002017.5 (MANE Select); coding-DNA position 365, G replaced by A.
Protein change: p.Arg122Lys; replaces arginine 122 with lysine.
Molecular consequence: missense variant. On other transcripts: intron variant (1).
Genome position (GRCh38, 1-based): chr11:128,768,252, G>A. VCF-style: chr11-128768252-G-A. GRCh37 (hg19) VCF-style: chr11-128638147-G-A.
Other names: c.266G>A, p.Arg89Lys (NM_001167681.3); c.167G>A, p.Arg56Lys (NM_001271010.2); c.10+9926G>A (NM_001271012.2); short protein forms R56K, R122K, R89K.
Identifiers: ClinVar variation 3665093 (VCV003665093.2).